The following is an entry in ClinVar:

ClinVar aggregate classification (germline): Uncertain significance (1 of 4 stars; one submission).

Allele frequency attached by ClinVar (database versions not stated): ExAC 0.00001; gnomAD 0.00001; TOPMed 0.00001.
gnomAD v4.1: 95 of 1,613,706 alleles (0.0059%); highest among the groups gnomAD compares: Non-Finnish European, 0.0081%; no homozygotes.

Submission:

GeneDx
Classification: Uncertain significance. Last evaluated: 2022-08-16. Review status: criteria provided, single submitter. Criteria: GeneDx Variant Classification Process June 2021. Collection method: clinical testing. Allele origin: germline. Affected: yes.
Comment: Not observed at significant frequency in large population cohorts (gnomAD); In silico analysis supports that this missense variant does not alter protein structure/function; Has not been previously published as pathogenic or benign to our knowledge

NM_003737.4(DCHS1):c.3121G>T (p.Ala1041Ser)

Gene: DCHS1 (dachsous cadherin-related 1; minus strand). Cytogenetic location: 11p15.4.
Variant type: single nucleotide variant.
Coding change: c.3121G>T on transcript NM_003737.4 (MANE Select); coding-DNA position 3121, G replaced by T.
Protein change: p.Ala1041Ser; replaces alanine 1041 with serine.
Molecular consequence: missense variant.
Genome position (GRCh38, 1-based): chr11:6,632,391, C>A on the plus strand (G>T on the coding strand, the complement: DCHS1 is on the minus strand). VCF-style: chr11-6632391-C-A. GRCh37 (hg19) VCF-style: chr11-6653622-C-A.
Other names: short protein forms A1041S.
Identifiers: ClinVar variation 2430852 (VCV002430852.1), dbSNP rs751900413, ClinGen allele CA5860603.